The following is an entry in ClinVar:

NM_000059.4(BRCA2):c.8866G>C (p.Glu2956Gln)

Gene: BRCA2 (BRCA2 DNA repair associated; plus strand). Cytogenetic location: 13q13.1.
Variant type: single nucleotide variant.
Coding change: c.8866G>C on transcript NM_000059.4 (MANE Select); coding-DNA position 8866, G replaced by C.
Protein change: p.Glu2956Gln; replaces glutamic acid 2956 with glutamine.
Molecular consequence: missense variant.
Genome position (GRCh38, 1-based): chr13:32,379,428, G>C. VCF-style: chr13-32379428-G-C. GRCh37 (hg19) VCF-style: chr13-32953565-G-C.
Other names: 9094G>C; short protein forms E2956Q.
Identifiers: ClinVar variation 38188 (VCV000038188.30), dbSNP rs142040996, ClinGen allele CA025854.
Genomic context (GRCh38, chr13:32,379,428, plus strand): 5'-TTGAATGATAAGAAACAAGCTCAGATCCAGTTGGAAATTAGGAAGGCCATGGAATCTGCT[G>C]AACAAAAGGAACAAGGTTTATCAAGGGATGTCACAACCGTGTGGAAGTTGCGTATTGTAA-3'
Protein context (NP_000050.3, residues 2946-2966): LEIRKAMESA[Glu2956Gln]QKEQGLSRDV

ClinVar aggregate classification (germline): Conflicting classifications of pathogenicity. Review status: criteria provided, conflicting classifications (1 of 4 stars). 10 submissions from 10 submitters: Uncertain significance (5); Benign (1); Likely benign (2). 2 of the submissions do not count toward it. Last evaluated 2025-09-04.

Conditions:
Hereditary cancer-predisposing syndrome. Also called: Tumor predisposition; Neoplastic Syndromes, Hereditary; Hereditary neoplastic syndrome; Hereditary Cancer Syndrome. Identifiers: Orphanet 140162, MedGen C0027672, MeSH D009386, MONDO:0015356.
Hereditary breast ovarian cancer syndrome. Also called: Hereditary breast and ovarian cancer; Hereditary breast and ovarian cancer syndrome (HBOC); Hereditary breast and/or ovarian cancer syndrome; Breast and ovarian cancer; Hereditary breast and ovarian cancer syndrome; BRCA1- and BRCA2-Associated Hereditary Breast and Ovarian Cancer. Identifiers: Orphanet 145, MedGen C0677776, MeSH D061325, MONDO:0003582. Disease mechanism: loss of function.
Breast-ovarian cancer, familial, susceptibility to, 2 (BROVCA2). Also called: BRCA2 Hereditary Breast and Ovarian Cancer. Identifiers: Orphanet 145, MedGen C2675520, MONDO:0012933, OMIM 612555. Disease mechanism: loss of function.
Familial cancer of breast. Also called: Hereditary breast cancer; BREAST CANCER, FAMILIAL; hereditary breast carcinoma. Identifiers: Orphanet 227535, MedGen C0346153, MONDO:0016419, OMIM 114480. Disease mechanism: loss of function.

Allele frequency attached by ClinVar (database versions not stated): gnomAD exomes below 0.00001; gnomAD 0.00001; TOPMed 0.00003; ESP Exome Variant Server 0.00015.
gnomAD v4.1: 3 of 1,613,596 alleles (0.00019%); highest among the groups gnomAD compares: African/African-American, 0.0027%; no homozygotes.

Submissions (10):

Labcorp Genetics (formerly Invitae), Labcorp
Classification: Likely benign for Hereditary breast ovarian cancer syndrome. Last evaluated: 2025-09-04. Review status: criteria provided, single submitter. Criteria: Invitae Variant Classification Sherloc (09022015). Collection method: clinical testing. Allele origin: germline.

Ambry Genetics
Classification: Benign for Hereditary cancer-predisposing syndrome. Last evaluated: 2025-05-22. Review status: criteria provided, single submitter. Criteria: Ambry Variant Classification Scheme 2023. Collection method: clinical testing. Allele origin: germline.

Quest Diagnostics Nichols Institute San Juan Capistrano
Classification: Uncertain significance. Last evaluated: 2025-04-07. Review status: criteria provided, single submitter. Criteria: Quest Diagnostics criteria. Collection method: clinical testing. Allele origin: unknown.
Comment: The BRCA2 c.8866G>C (p.Glu2956Gln) variant has been reported in the published literature in an individual with a personal and/or family history of breast, ovarian, pancreatic, and prostate cancer (PMID: 31853058 (2020)). The frequency of this variant in the general population (Genome Aggregation Database) is uninformative in the assessment of its pathogenicity. Analysis of this variant using bioinformatics tools for the prediction of the effect of amino acid changes on protein structure and function yielded predictions that this variant is benign. Based on the available information, we are unable to determine the clinical significance of this variant.

Baylor Genetics
Classification: Uncertain significance for Familial cancer of breast. Last evaluated: 2023-11-03. Review status: criteria provided, single submitter. Criteria: ACMG Guidelines, 2015. Collection method: clinical testing. Allele origin: unknown.

Institute for Biomarker Research, Medical Diagnostic Laboratories, L.L.C.
Classification: Uncertain significance for Hereditary breast ovarian cancer syndrome. Last evaluated: 2023-10-10. Review status: criteria provided, single submitter. Criteria: ACMG Guidelines, 2015. Collection method: clinical testing. Allele origin: germline.

GeneDx
Classification: Uncertain significance. Last evaluated: 2022-11-23. Review status: criteria provided, single submitter. Criteria: GeneDx Variant Classification Process June 2021. Collection method: clinical testing. Allele origin: germline. Affected: yes.
Comment: Not observed at significant frequency in large population cohorts (gnomAD); In silico analysis, which includes protein predictors and evolutionary conservation, supports that this variant does not alter protein structure/function; Has not been previously published as pathogenic or benign to our knowledge; Also known as 9094G>C; This variant is associated with the following publications: (PMID: 12228710, 31853058, 29884841, 32377563)

Color Diagnostics, LLC DBA Color Health
Classification: Likely benign for Hereditary cancer-predisposing syndrome. Last evaluated: 2016-04-08. Review status: criteria provided, single submitter. Criteria: ACMG Guidelines, 2015. Collection method: clinical testing. Allele origin: germline.

Women's Health and Genetics/Laboratory Corporation of America, LabCorp
Classification: Uncertain significance. Last evaluated: 2016-03-08. Review status: criteria provided, single submitter. Criteria: LabCorp Variant Classification Summary - May 2015. Collection method: clinical testing. Allele origin: germline.
Comment: Variant summary: c.8866G>C affects a conserved nucleotide, resulting in amino acid change from Glu to Gln. 3/4 in-silico tools predict this variant to be damaging (SNPs&GO not captured due to low reliability index). This variant was not found in 120628 control chromosomes. The variant of interest has not been reported in affected individuals via publications and/or reputable databases/clinical laboratories; nor evaluated for functional impact by in vivo/vitro studies. SCRP via ClinVar lists variant as VUS. Considering all, because of the absence of clinical information and the lack of functional studies, the variant was classified as a variant of uncertain significance (VUS) until additional information becomes available.

Counsyl
Classification: Uncertain significance for Breast-ovarian cancer, familial, susceptibility to, 2. Last evaluated: 2017-10-17. Review status: no assertion criteria provided. Collection method: clinical testing. Allele origin: unknown. Not counted in ClinVar's aggregate classification.

Sharing Clinical Reports Project (SCRP)
Classification: Uncertain significance for Breast-ovarian cancer, familial 2. Last evaluated: 2009-06-18. Review status: no assertion criteria provided. Collection method: clinical testing. Allele origin: germline. Not counted in ClinVar's aggregate classification.

Literature cited by the submitters: PubMed 31853058 (cited by Quest Diagnostics Nichols Institute San Juan Capistrano).